The following is an entry in ClinVar:

ClinVar aggregate classification (germline): Uncertain significance (1 of 4 stars; one submission).

Conditions:
PURA-related severe neonatal hypotonia-seizures-encephalopathy syndrome (NEDRIHF). Also called: PURA-Related Neurodevelopmental Disorders; NEURODEVELOPMENTAL DISORDER WITH NEONATAL RESPIRATORY INSUFFICIENCY, HYPOTONIA, AND FEEDING DIFFICULTIES. Identifiers: Orphanet 438213, Orphanet 438216, MedGen C4015357, MONDO:1060108, OMIM 616158, MONDO:0018580.

Submission:

Labcorp Genetics (formerly Invitae), Labcorp
Classification: Uncertain significance for PURA-related severe neonatal hypotonia-seizures-encephalopathy syndrome. Last evaluated: 2024-03-04. Review status: criteria provided, single submitter. Criteria: Invitae Variant Classification Sherloc (09022015). Collection method: clinical testing. Allele origin: germline.
Comment: This sequence change replaces arginine, which is basic and polar, with leucine, which is neutral and non-polar, at codon 65 of the PURA protein (p.Arg65Leu). This variant is not present in population databases (gnomAD no frequency). This variant has not been reported in the literature in individuals affected with PURA-related conditions. Advanced modeling of protein sequence and biophysical properties (such as structural, functional, and spatial information, amino acid conservation, physicochemical variation, residue mobility, and thermodynamic stability) performed at Invitae indicates that this missense variant is not expected to disrupt PURA protein function with a negative predictive value of 80%. In summary, the available evidence is currently insufficient to determine the role of this variant in disease. Therefore, it has been classified as a Variant of Uncertain Significance.

NM_005859.5(PURA):c.194G>T (p.Arg65Leu)

Gene: PURA (purine rich element binding protein A; plus strand). Cytogenetic location: 5q31.3.
Variant type: single nucleotide variant.
Coding change: c.194G>T on transcript NM_005859.5 (MANE Select); coding-DNA position 194, G replaced by T.
Protein change: p.Arg65Leu; replaces arginine 65 with leucine.
Molecular consequence: missense variant.
Genome position (GRCh38, 1-based): chr5:140,114,375, G>T. VCF-style: chr5-140114375-G-T. GRCh37 (hg19) VCF-style: chr5-139493960-G-T.
Other names: short protein forms R65L.
Identifiers: ClinVar variation 2693957 (VCV002693957.3), dbSNP rs1763041852, ClinGen allele CA361489985.